The following is an entry in ClinVar:

NM_005908.4(MANBA):c.552G>A (p.Glu184=)

Gene: MANBA (mannosidase beta; minus strand). Cytogenetic location: 4q24.
Variant type: single nucleotide variant.
Coding change: c.552G>A on transcript NM_005908.4 (MANE Select); coding-DNA position 552, G replaced by A.
Protein change: p.Glu184=; no amino-acid change (glutamic acid 184 retained).
Molecular consequence: synonymous variant.
Genome position (GRCh38, 1-based): chr4:102,714,559, C>T on the plus strand (G>A on the coding strand, the complement: MANBA is on the minus strand). VCF-style: chr4-102714559-C-T. GRCh37 (hg19) VCF-style: chr4-103635716-C-T.
Other names: p.Glu184=.
Identifiers: ClinVar variation 1619298 (VCV001619298.10), dbSNP rs1393310114, ClinGen allele CA440534411.

ClinVar aggregate classification (germline): Likely benign. Review status: criteria provided, multiple submitters, no conflicts (2 of 4 stars). 3 submissions from 3 submitters: Likely benign (3). Last evaluated 2025-10-02.

Conditions:
Beta-D-mannosidosis (MANSB). Also called: MANNOSIDOSIS, BETA A, LYSOSOMAL; BETA-MANNOSIDASE DEFICIENCY; LYSOSOMAL BETA-MANNOSIDASE DEFICIENCY; Beta-Mannosidosis. Identifiers: Orphanet 118, MedGen C4048196, MONDO:0009562, OMIM 248510.

Allele frequency attached by ClinVar (database versions not stated): TOPMed below 0.00001; gnomAD exomes 0.00001; gnomAD 0.00002.
gnomAD v4.1: 11 of 1,607,784 alleles (0.00068%); highest among the groups gnomAD compares: South Asian, 0.0011%; no homozygotes.

Submissions (3):

Labcorp Genetics (formerly Invitae), Labcorp
Classification: Likely benign for Beta-D-mannosidosis. Last evaluated: 2025-10-02. Review status: criteria provided, single submitter. Criteria: Invitae Variant Classification Sherloc (09022015). Collection method: clinical testing. Allele origin: germline.

Mayo Clinic Laboratories, Mayo Clinic
Classification: Likely benign. Last evaluated: 2024-10-29. Review status: criteria provided, single submitter. Criteria: ACMG Guidelines, 2015. Collection method: clinical testing. Allele origin: germline. Observed: 1 variant allele.
Comment: BP4, BP7

Blueprint Genetics
Classification: Likely benign. Last evaluated: 2024-09-06. Review status: criteria provided, single submitter. Criteria: ACMG Guidelines, 2015. Collection method: clinical testing. Allele origin: germline.